The following is an entry in ClinVar:

NM_025179.4(PLXNA2):c.3107A>T (p.Glu1036Val)

Gene: PLXNA2 (plexin A2; minus strand). Cytogenetic location: 1q32.2.
Variant type: single nucleotide variant.
Coding change: c.3107A>T on transcript NM_025179.4 (MANE Select); coding-DNA position 3107, A replaced by T.
Protein change: p.Glu1036Val; replaces glutamic acid 1036 with valine.
Molecular consequence: missense variant.
Genome position (GRCh38, 1-based): chr1:208,051,310, T>A on the plus strand (A>T on the coding strand, the complement: PLXNA2 is on the minus strand). VCF-style: chr1-208051310-T-A. GRCh37 (hg19) VCF-style: chr1-208224655-T-A.
Other names: short protein forms E1036V.
Identifiers: ClinVar variation 2766216 (VCV002766216.3), dbSNP rs529116482, ClinGen allele CA1373286.
Genomic context (GRCh38, chr1:208,051,310, plus strand): 5'-CCTCACCTGGCAATGCTCCACTCTGGCTCGATGCGCTGGACCCGAGGGTCATCTATGTAC[T>A]CAAACTGCAGGTTGCTATCCACATGGGCTCGGTCGACACTCACAGAAACAGGGACCGGGC-3'
Protein context (NP_079455.3, residues 1026-1046): RAHVDSNLQF[Glu1036Val]YIDDPRVQRI

ClinVar aggregate classification (germline): Uncertain significance (1 of 4 stars; one submission).

Allele frequency attached by ClinVar (database versions not stated): ExAC 0.00001; gnomAD 0.00001; 1000 Genomes Project 30x 0.00016; 1000 Genomes Project 0.00020.
gnomAD v4.1: 1 of 1,613,768 alleles (0.000062%); highest among the groups gnomAD compares: Admixed American, 0.0017%; no homozygotes.

Submission:

Labcorp Genetics (formerly Invitae), Labcorp
Classification: Uncertain significance. Last evaluated: 2023-12-07. Review status: criteria provided, single submitter. Criteria: Invitae Variant Classification Sherloc (09022015). Collection method: clinical testing. Allele origin: germline.
Comment: This sequence change replaces glutamic acid, which is acidic and polar, with valine, which is neutral and non-polar, at codon 1036 of the PLXNA2 protein (p.Glu1036Val). This variant is present in population databases (rs529116482, gnomAD 0.003%). This variant has not been reported in the literature in individuals affected with PLXNA2-related conditions. Advanced modeling of protein sequence and biophysical properties (such as structural, functional, and spatial information, amino acid conservation, physicochemical variation, residue mobility, and thermodynamic stability) performed at Invitae indicates that this missense variant is not expected to disrupt PLXNA2 protein function with a negative predictive value of 80%. In summary, the available evidence is currently insufficient to determine the role of this variant in disease. Therefore, it has been classified as a Variant of Uncertain Significance.